The following is an entry in ClinVar:

NM_000020.3(ACVRL1):c.988G>T (p.Asp330Tyr)

Gene: ACVRL1 (activin A receptor like type 1; plus strand). Cytogenetic location: 12q13.13.
Variant type: single nucleotide variant.
Coding change: c.988G>T on transcript NM_000020.3 (MANE Select); coding-DNA position 988, G replaced by T.
Protein change: p.Asp330Tyr; replaces aspartic acid 330 with tyrosine.
Molecular consequence: missense variant.
Genome position (GRCh38, 1-based): chr12:51,915,440, G>T. VCF-style: chr12-51915440-G-T. GRCh37 (hg19) VCF-style: chr12-52309224-G-T.
Other names: c.988G>T, p.Asp330Tyr (NM_001077401.2, NM_001406487.1, NM_001406488.1 and 1 more transcripts); c.676G>T, p.Asp226Tyr (NM_001406490.1, NM_001406491.1, NM_001406492.1 and 2 more transcripts); c.424G>T, p.Asp142Tyr (NM_001406495.1); short protein forms D226Y, D330Y, D142Y.
Identifiers: ClinVar variation 2137371 (VCV002137371.4), dbSNP rs2540164775, ClinGen allele CA384901457.

ClinVar aggregate classification (germline): Pathogenic (1 of 4 stars; one submission).

Conditions:
Telangiectasia, hereditary hemorrhagic, type 2 (HHT2). Also called: Telangiectasia, hereditary hemorrhagic, type II; ACVRL1-Related Hereditary Hemorrhagic Telangiectasia. Identifiers: Orphanet 774, MedGen C1838163, MONDO:0010880, OMIM 600376. Disease mechanism: loss of function.

Submission:

Labcorp Genetics (formerly Invitae), Labcorp
Classification: Pathogenic for Telangiectasia, hereditary hemorrhagic, type 2. Last evaluated: 2022-09-09. Review status: criteria provided, single submitter. Criteria: Invitae Variant Classification Sherloc (09022015). Collection method: clinical testing. Allele origin: germline.
Comment: This sequence change replaces aspartic acid, which is acidic and polar, with tyrosine, which is neutral and polar, at codon 330 of the ACVRL1 protein (p.Asp330Tyr). For these reasons, this variant has been classified as Pathogenic. This variant disrupts the p.Asp330 amino acid residue in ACVRL1. Other variant(s) that disrupt this residue have been observed in individuals with ACVRL1-related conditions (PMID: 15517393, 17786384, 24001356), which suggests that this may be a clinically significant amino acid residue. Experimental studies have shown that this missense change affects ACVRL1 function (PMID: 23124896). Advanced modeling of protein sequence and biophysical properties (such as structural, functional, and spatial information, amino acid conservation, physicochemical variation, residue mobility, and thermodynamic stability) performed at Invitae indicates that this missense variant is expected to disrupt ACVRL1 protein function. This missense change has been observed in individuals with hereditary hemorrhagic telangiectasia (PMID: 12114496, 16429404, 18673552). This variant is not present in population databases (gnomAD no frequency).

Literature cited by the submitters: PubMed 15517393; PubMed 17786384; PubMed 24001356; PubMed 23124896; PubMed 12114496; PubMed 16429404; PubMed 18673552.